The following is an entry in ClinVar:

NM_015978.3(TNNI3K):c.1395C>G (p.Phe465Leu)

Genes: FPGT-TNNI3K (FPGT-TNNI3K readthrough; plus strand), TNNI3K (TNNI3 interacting kinase; plus strand). Cytogenetic location: 1p31.1.
Variant type: single nucleotide variant.
Coding change: c.1395C>G on transcript NM_015978.3 (MANE Select); coding-DNA position 1395, C replaced by G.
Protein change: p.Phe465Leu; replaces phenylalanine 465 with leucine.
Molecular consequence: missense variant.
Genome position (GRCh38, 1-based): chr1:74,369,095, C>G. VCF-style: chr1-74369095-C-G. GRCh37 (hg19) VCF-style: chr1-74834779-C-G.
Other names: c.1698C>G, p.Phe566Leu (NM_001112808.3, NM_001199327.2); short protein forms F465L, F566L.
Identifiers: ClinVar variation 1721094 (VCV001721094.5), dbSNP rs909557145, ClinGen allele CA340785860.

ClinVar aggregate classification (germline): Uncertain significance (1 of 4 stars; one submission).

Submission:

Labcorp Genetics (formerly Invitae), Labcorp
Classification: Uncertain significance. Last evaluated: 2022-10-07. Review status: criteria provided, single submitter. Criteria: Invitae Variant Classification Sherloc (09022015). Collection method: clinical testing. Allele origin: germline.
Comment: In summary, the available evidence is currently insufficient to determine the role of this variant in disease. Therefore, it has been classified as a Variant of Uncertain Significance. Advanced modeling of protein sequence and biophysical properties (such as structural, functional, and spatial information, amino acid conservation, physicochemical variation, residue mobility, and thermodynamic stability) performed at Invitae indicates that this missense variant is not expected to disrupt TNNI3K protein function. This variant has not been reported in the literature in individuals affected with TNNI3K-related conditions. This variant is not present in population databases (gnomAD no frequency). This sequence change replaces phenylalanine, which is neutral and non-polar, with leucine, which is neutral and non-polar, at codon 465 of the TNNI3K protein (p.Phe465Leu).